The following is an entry in ClinVar:

ClinVar aggregate classification (germline): Uncertain significance (1 of 4 stars; one submission).

Conditions:
CREBBP-related disorder. Also called: CREBBP-related condition; CREBBP-related disorders.

gnomAD v4.1: 1 of 1,614,076 alleles (0.000062%); highest among the groups gnomAD compares: African/African-American, 0.0013%; no homozygotes.

Submission:

PreventionGenetics, part of Exact Sciences
Classification: Uncertain significance for CREBBP-related condition. Last evaluated: 2025-06-13. Review status: criteria provided, single submitter. Criteria: ACMG Guidelines, 2015. Collection method: clinical testing. Allele origin: germline.
Comment: The CREBBP c.365C>T variant is predicted to result in the amino acid substitution p.Pro122Leu. To our knowledge, this variant has not been reported in the literature or in a large population database (gnomAD), indicating this variant is rare. At this time, the clinical significance of this variant is uncertain due to the absence of conclusive functional and genetic evidence.

NM_004380.3(CREBBP):c.365C>T (p.Pro122Leu)

Gene: CREBBP (CREB binding lysine acetyltransferase; minus strand). Cytogenetic location: 16p13.3.
Variant type: single nucleotide variant.
Coding change: c.365C>T on transcript NM_004380.3 (MANE Select); coding-DNA position 365, C replaced by T.
Protein change: p.Pro122Leu; replaces proline 122 with leucine.
Molecular consequence: missense variant.
Genome position (GRCh38, 1-based): chr16:3,850,730, G>A on the plus strand (C>T on the coding strand, the complement: CREBBP is on the minus strand). VCF-style: chr16-3850730-G-A. GRCh37 (hg19) VCF-style: chr16-3900731-G-A.
Other names: c.365C>T, p.Pro122Leu (NM_001079846.1); short protein forms P122L.
Identifiers: ClinVar variation 4982403 (VCV004982403.1).
Genomic context (GRCh38, chr16:3,850,730, plus strand): 5'-CCAGAGGTGCTGGCTGCCTGTTTAGGCAGGCTGGGGGCTGAAGAATCTCCCTGGCTCAGA[G>A]GGCTCTTGCCCATGGCACTGAGGCTGGCCATGTTAGCACTGTTCGGCTGCCCTTGAGCCT-3'
Protein context (NP_004371.2, residues 112-132): MASLSAMGKS[Pro122Leu]LSQGDSSAPS